The following is an entry in ClinVar:

ClinVar aggregate classification (germline): Pathogenic (1 of 4 stars; one submission).

Conditions:
Mucopolysaccharidosis, MPS-III-A (MPS3A). Also called: HEPARAN SULFATE SULFATASE DEFICIENCY; SANFILIPPO SYNDROME A; SULFAMIDASE DEFICIENCY; MPS III A; Mucopolysaccharidosis type IIIA (Sanfilippo A); MUCOPOLYSACCHARIDOSIS, TYPE IIIA, ATTENUATED. Identifiers: Orphanet 581, Orphanet 79269, MedGen C0086647, MONDO:0009655, OMIM 252900.

Submission:

Labcorp Genetics (formerly Invitae), Labcorp
Classification: Pathogenic for Mucopolysaccharidosis, MPS-III-A. Last evaluated: 2023-02-24. Review status: criteria provided, single submitter. Criteria: Invitae Variant Classification Sherloc (09022015). Collection method: clinical testing. Allele origin: germline.
Comment: This sequence change creates a premature translational stop signal (p.Phe278Serfs*14) in the SGSH gene. It is expected to result in an absent or disrupted protein product. Loss-of-function variants in SGSH are known to be pathogenic (PMID: 11182930, 21204211, 22976768). This variant is not present in population databases (gnomAD no frequency). This variant has not been reported in the literature in individuals affected with SGSH-related conditions. For these reasons, this variant has been classified as Pathogenic.

Literature cited by the submitters: PubMed 11182930; PubMed 21204211; PubMed 22976768.

NM_000199.5(SGSH):c.833_834del (p.Phe278fs)

Gene: SGSH (N-sulfoglucosamine sulfohydrolase; minus strand). Cytogenetic location: 17q25.3.
Variant type: Deletion.
Coding change: c.833_834del on transcript NM_000199.5 (MANE Select); coding-DNA positions 833 to 834, 2 bases deleted (TC; older notation c.833_834delTC).
Protein change: p.Phe278fs; shifts the reading frame from phenylalanine 278.
Molecular consequence: frameshift variant. On other transcripts: non-coding transcript variant (1).
Genome position (GRCh38, 1-based): chr17:80,212,186-80,212,187, GA deleted on the plus strand (TC on the coding strand, the reverse complement: SGSH is on the minus strand). VCF-style (leftmost placement, unchanged base first): chr17-80212185-GGA-G. GRCh37 (hg19) VCF-style: chr17-78185984-GGA-G.
Other names: c.833_834del, p.Phe278fs (NM_001352921.3, NM_001352922.2); short protein forms F278fs.
Identifiers: ClinVar variation 3004153 (VCV003004153.3), dbSNP rs2510873882, ClinGen allele CA2740093951.